The following is an entry in ClinVar:

ClinVar aggregate classification (germline): Pathogenic (1 of 4 stars; one submission).

Submission:

Labcorp Genetics (formerly Invitae), Labcorp
Classification: Pathogenic. Last evaluated: 2023-02-15. Review status: criteria provided, single submitter. Criteria: Invitae Variant Classification Sherloc (09022015). Collection method: clinical testing. Allele origin: germline.
Comment: This variant is not present in population databases (gnomAD no frequency). This variant has not been reported in the literature in individuals affected with PRKN-related conditions. For these reasons, this variant has been classified as Pathogenic. This sequence change creates a premature translational stop signal (p.Gln282*) in the PRKN gene. It is expected to result in an absent or disrupted protein product. Loss-of-function variants in PRKN are known to be pathogenic (PMID: 10072423, 20301651, 22956510).

Literature cited by the submitters: PubMed 10072423; PubMed 20301651; PubMed 22956510.

NM_004562.3(PRKN):c.844C>T (p.Gln282Ter)

Gene: PRKN (parkin RBR E3 ubiquitin protein ligase; minus strand). Cytogenetic location: 6q26.
Variant type: single nucleotide variant.
Coding change: c.844C>T on transcript NM_004562.3 (MANE Select); coding-DNA position 844, C replaced by T.
Protein change: p.Gln282Ter; replaces glutamine 282 with a stop codon.
Molecular consequence: nonsense.
Genome position (GRCh38, 1-based): chr6:161,785,799, G>A on the plus strand (C>T on the coding strand, the complement: PRKN is on the minus strand). VCF-style: chr6-161785799-G-A. GRCh37 (hg19) VCF-style: chr6-162206831-G-A.
Other names: c.760C>T, p.Gln254Ter (NM_013987.3); c.397C>T, p.Gln133Ter (NM_013988.3); short protein forms Q133*, Q254*, Q282*.
Identifiers: ClinVar variation 2817663 (VCV002817663.3), dbSNP rs2484941961, ClinGen allele CA366465499.